The following is an entry in ClinVar:

NM_001330260.2(SCN8A):c.4583T>A (p.Ile1528Asn)

Gene: SCN8A (sodium voltage-gated channel alpha subunit 8; plus strand). Cytogenetic location: 12q13.13.
Variant type: single nucleotide variant.
Coding change: c.4583T>A on transcript NM_001330260.2 (MANE Select); coding-DNA position 4583, T replaced by A.
Protein change: p.Ile1528Asn; replaces isoleucine 1528 with asparagine.
Molecular consequence: missense variant.
Genome position (GRCh38, 1-based): chr12:51,794,429, T>A. VCF-style: chr12-51794429-T-A. GRCh37 (hg19) VCF-style: chr12-52188213-T-A.
Other names: c.4460T>A, p.Ile1487Asn (NM_001177984.3, NM_001369788.1); c.4583T>A, p.Ile1528Asn (NM_014191.4); short protein forms I1487N, I1528N.
Identifiers: ClinVar variation 1346284 (VCV001346284.9), dbSNP rs2138919119, ClinGen allele CA384878697.

ClinVar aggregate classification (germline): Pathogenic (1 of 4 stars; one submission).

Conditions:
Early-infantile DEE. Also called: Early infantile epileptic encephalopathy; Early infantile epileptic encephalopathy with suppression bursts; Ohtahara syndrome. Identifiers: Orphanet 1934, MedGen C0393706, MONDO:0800491.

Submission:

Labcorp Genetics (formerly Invitae), Labcorp
Classification: Pathogenic for Early-infantile DEE. Last evaluated: 2023-05-16. Review status: criteria provided, single submitter. Criteria: Invitae Variant Classification Sherloc (09022015). Collection method: clinical testing. Allele origin: germline.
Comment: This variant is not present in population databases (gnomAD no frequency). This sequence change replaces isoleucine, which is neutral and non-polar, with asparagine, which is neutral and polar, at codon 1528 of the SCN8A protein (p.Ile1528Asn). This missense change has been observed in individual(s) with SCN8A-related conditions (Invitae). In at least one individual the variant was observed to be de novo. ClinVar contains an entry for this variant (Variation ID: 1346284). Advanced modeling of protein sequence and biophysical properties (such as structural, functional, and spatial information, amino acid conservation, physicochemical variation, residue mobility, and thermodynamic stability) performed at Invitae indicates that this missense variant is expected to disrupt SCN8A protein function. For these reasons, this variant has been classified as Pathogenic.